The following is an entry in ClinVar:

NM_001129.5(AEBP1):c.3398_3409del (p.Lys1133_Glu1136del)

Gene: AEBP1 (AE binding protein 1; plus strand). Cytogenetic location: 7p13.
Variant type: Deletion.
Coding change: c.3398_3409del on transcript NM_001129.5 (MANE Select); coding-DNA positions 3398 to 3409, 12 bases deleted (AAGAGGAGGAGA).
Protein change: p.Lys1133_Glu1136del.
Molecular consequence: inframe deletion.
Genome position (GRCh38, 1-based): chr7:44,114,182-44,114,193, AAGAGGAGGAGA deleted; deleting any 12 consecutive bases within chr7:44,114,172-44,114,193 gives the same sequence; the c. name uses the placement nearest the transcript's 3' end. VCF-style (leftmost placement, unchanged base first): chr7-44114171-GGAGGAGGAGAAA-G. GRCh37 (hg19) VCF-style: chr7-44153770-GGAGGAGGAGAAA-G.
Identifiers: ClinVar variation 1346449 (VCV001346449.6), dbSNP rs760161936, ClinGen allele CA4238483.
Genomic context (GRCh38, chr7:44,114,171, plus strand): 5'-TGAGACCCAGTTGGAGCCTGAGTTTGAGACCCAGCTGGAACCCGAGTTTGAGGAAGAGGA[GGAGGAGGAGAAA>G]GAGGAGGAGATAGCCACTGGCCAGGCATTCCCCTTCACAACAGTAGAGACCTACACAGTG-3'

ClinVar aggregate classification (germline): Uncertain significance (1 of 4 stars; one submission).

Submission:

Labcorp Genetics (formerly Invitae), Labcorp
Classification: Uncertain significance. Last evaluated: 2023-11-28. Review status: criteria provided, single submitter. Criteria: Invitae Variant Classification Sherloc (09022015). Collection method: clinical testing. Allele origin: germline.
Comment: This variant, c.3398_3409del, results in the deletion of 4 amino acid(s) of the AEBP1 protein (p.Lys1133_Glu1136del), but otherwise preserves the integrity of the reading frame. This variant is present in population databases (rs760161936, gnomAD 0.006%). This variant has not been reported in the literature in individuals affected with AEBP1-related conditions. ClinVar contains an entry for this variant (Variation ID: 1346449). Experimental studies and prediction algorithms are not available or were not evaluated, and the functional significance of this variant is currently unknown. In summary, the available evidence is currently insufficient to determine the role of this variant in disease. Therefore, it has been classified as a Variant of Uncertain Significance.